The following is an entry in ClinVar:

ClinVar aggregate classification (germline): Likely benign. Review status: criteria provided, multiple submitters, no conflicts (2 of 4 stars). 3 submissions from 3 submitters: Likely benign (2). 1 of the submissions does not count toward it. Last evaluated 2026-01-23.

Conditions:
GRM6-related disorder. Also called: GRM6-related condition.

Allele frequency attached by ClinVar (database versions not stated): gnomAD 0.00033 and 0.00035; gnomAD exomes 0.00035; ExAC 0.00036; TOPMed 0.00037; ESP Exome Variant Server 0.00046.
gnomAD v4.1: 885 of 1,609,438 alleles (0.055%); highest among the groups gnomAD compares: Non-Finnish European, 0.072%; 2 homozygotes.

Submissions (3):

Labcorp Genetics (formerly Invitae), Labcorp
Classification: Likely benign. Last evaluated: 2026-01-23. Review status: criteria provided, single submitter. Criteria: Invitae Variant Classification Sherloc (09022015). Collection method: clinical testing. Allele origin: germline.

Blueprint Genetics
Classification: Likely benign. Last evaluated: 2024-10-10. Review status: criteria provided, single submitter. Criteria: ACMG Guidelines, 2015. Collection method: clinical testing. Allele origin: germline.

PreventionGenetics, part of Exact Sciences
Classification: Likely benign for GRM6-related condition. Last evaluated: 2019-08-01. Review status: no assertion criteria provided. Collection method: clinical testing. Allele origin: germline. Not counted in ClinVar's aggregate classification.
Comment: This variant is classified as likely benign based on ACMG/AMP sequence variant interpretation guidelines (Richards et al. 2015 PMID: 25741868, with internal and published modifications).

NM_000843.4(GRM6):c.1501-10T>C

Genes: GRM6 (glutamate metabotropic receptor 6; minus strand), ZNF454 (zinc finger protein 454; plus strand). Cytogenetic location: 5q35.3.
Variant type: single nucleotide variant.
Coding change: c.1501-10T>C on transcript NM_000843.4 (MANE Select); 10 bases into the intron before coding-DNA position 1501, T replaced by C.
Molecular consequence: intron variant.
Genome position (GRCh38, 1-based): chr5:178,986,763, A>G on the plus strand (T>C on the coding strand, the complement: GRM6 is on the minus strand). VCF-style: chr5-178986763-A-G. GRCh37 (hg19) VCF-style: chr5-178413764-A-G.
Other names: c.1501-10T>C (NM_000843.3).
Identifiers: ClinVar variation 1671023 (VCV001671023.11), dbSNP rs371203733, ClinGen allele CA3594017.
Genomic context (GRCh38, chr5:178,986,763, plus strand): 5'-CAGAGACGAGGGCACCTCGTGGGGGTCGCCAGACCACTGCAGGGCCTCCACCTGGGACGC[A>G]CAAAACACAGGCTGGGGCGTCTGCCTCCGGGATCCTGGGCCCATGCCCACCTGGGGCTCG-3'